The following is an entry in ClinVar:

NM_001267550.2(TTN):c.20784A>C (p.Gln6928His)

Gene: TTN (titin; minus strand). Cytogenetic location: 2q31.2.
Variant type: single nucleotide variant.
Coding change: c.20784A>C on transcript NM_001267550.2 (MANE Select); coding-DNA position 20784, A replaced by C.
Protein change: p.Gln6928His; replaces glutamine 6928 with histidine.
Molecular consequence: missense variant. On other transcripts: intron variant (3).
Genome position (GRCh38, 1-based): chr2:178,725,420, T>G on the plus strand (A>C on the coding strand, the complement: TTN is on the minus strand). VCF-style: chr2-178725420-T-G. GRCh37 (hg19) VCF-style: chr2-179590147-T-G.
Other names: p.Q6611H:CAA>CAC; c.19833A>C, p.Gln6611His (NM_001256850.1); c.17052A>C, p.Gln5684His (NM_133378.4); c.13282+12662A>C (NM_003319.4); c.13858+12662A>C (NM_133437.4); c.13657+12662A>C (NM_133432.3); short protein forms Q6611H, Q6928H, Q5684H.
Identifiers: ClinVar variation 203291 (VCV000203291.2), dbSNP rs794729622, ClinGen allele CA311939.
Genomic context (GRCh38, chr2:178,725,420, plus strand): 5'-GTACCAACCTAAGACCATCAGTGTGGCCATGTTCTCCCTCATTCCACCATCATTCTTGAT[T>G]TGGCAGATATACTTTCCAGCATTAGCTGGCTCTGCTTTTGCAAACTGTAGAGTTGCAACA-3'
Protein context (NP_001254479.2, residues 6918-6938): EPANAGKYIC[Gln6928His]IKNDGGMREN

ClinVar aggregate classification (germline): Uncertain significance (1 of 4 stars; one submission).

Submission:

GeneDx
Classification: Uncertain significance. Last evaluated: 2013-05-30. Review status: criteria provided, single submitter. Criteria: GeneDx Variant Classification (06012015). Collection method: clinical testing. Allele origin: germline. Affected: yes.
Comment: Missense variants in the TTN gene are considered 'unclassified' if they are not previously reported in the literature and do not have >1% frequency in the population to be considered a polymorphism. Research indicates that truncating mutations in the TTN gene are expected to account for approximately 25% of familial and 18% of sporadic idiopathic DCM; however, truncating variants in the TTN gene have been reported in approximately 3% of reported control alleles. There has been little investigation into non-truncating variants. (Herman D et al. Truncations of titin causing dilated cardiomyopathy. N Eng J Med 366:619-628, 2012) The variant is found in DCM panel(s).